The following is an entry in ClinVar:

ClinVar aggregate classification (germline): Likely benign (1 of 4 stars; one submission).

Submission:

Laboratory for Molecular Medicine, Mass General Brigham Personalized Medicine
Classification: Likely benign. Last evaluated: 2012-04-30. Review status: criteria provided, single submitter. Criteria: LMM Criteria. Collection method: clinical testing. Allele origin: germline. Observed: 1 variant allele.
Comment: Gly24636Gly in exon 275 in TTN: This variant is not expected to have clinical si gnificance because it does not alter an amino acid residue and it is not located within the splice consensus sequence. Gly24636Gly in exon 275 in TTN (allele f requency = n/a)

NM_001267550.2(TTN):c.81612T>A (p.Gly27204=)

Genes: TTN-AS1 (TTN antisense RNA 1; plus strand), TTN (titin; minus strand). Cytogenetic location: 2q31.2.
Variant type: single nucleotide variant.
Coding change: c.81612T>A on transcript NM_001267550.2 (MANE Select); coding-DNA position 81612, T replaced by A.
Protein change: p.Gly27204=; no amino-acid change (glycine 27204 retained).
Molecular consequence: synonymous variant.
Genome position (GRCh38, 1-based): chr2:178,564,520, A>T on the plus strand (T>A on the coding strand, the complement: TTN is on the minus strand). VCF-style: chr2-178564520-A-T. GRCh37 (hg19) VCF-style: chr2-179429247-A-T.
Other names: c.76689T>A, p.Gly25563= (NM_001256850.1); c.54417T>A, p.Gly18139= (NM_003319.4); c.54792T>A, p.Gly18264= (NM_133432.3); c.54993T>A, p.Gly18331= (NM_133437.4); c.73908T>A, p.Gly24636= (NM_133378.4).
Identifiers: ClinVar variation 47400 (VCV000047400.5), dbSNP rs397517722, ClinGen allele CA140887.